The following is an entry in ClinVar:

NM_006073.4(TRDN):c.1907-2A>G

Gene: TRDN (triadin; minus strand). Cytogenetic location: 6q22.31.
Variant type: single nucleotide variant.
Coding change: c.1907-2A>G on transcript NM_006073.4 (MANE Select); the canonical splice acceptor site of the intron before coding-DNA position 1907, A replaced by G.
Molecular consequence: splice acceptor variant.
Genome position (GRCh38, 1-based): chr6:123,255,127, T>C on the plus strand (A>G on the coding strand, the complement: TRDN is on the minus strand). VCF-style: chr6-123255127-T-C. GRCh37 (hg19) VCF-style: chr6-123576272-T-C.
Identifiers: ClinVar variation 1782404 (VCV001782404.2), dbSNP rs770409748, ClinGen allele CA3983700.

ClinVar aggregate classification (germline): Uncertain significance (1 of 4 stars; one submission).

Conditions:
Cardiovascular phenotype. Identifiers: MedGen CN230736.

Allele frequency attached by ClinVar (database versions not stated): gnomAD exomes below 0.00001; TOPMed below 0.00001; ExAC 0.00005.
gnomAD v4.1: 1 of 1,301,522 alleles (0.000077%); highest among the groups gnomAD compares: Non-Finnish European, 0.0001%; no homozygotes.

Submission:

Ambry Genetics
Classification: Uncertain significance for Cardiovascular phenotype. Last evaluated: 2021-01-26. Review status: criteria provided, single submitter. Criteria: Ambry Variant Classification Scheme 2023. Collection method: clinical testing. Allele origin: germline.
Comment: The c.1907-2A>G intronic variant results from an A to G substitution two nucleotides upstream from coding exon 37 in the TRDN gene. This nucleotide position is well conserved in available vertebrate species. In silico splice site analysis predicts that this alteration will weaken the native splice acceptor site. Alterations that disrupt the canonical splice site are expected to cause aberrant splicing, resulting in an abnormal protein or a transcript that is subject to nonsense-mediated mRNA decay. However, this alteration does not impact the predominant cardiac isoform of TRDN (NM_001256021.1; Kobayashi YM et al. J. Biol. Chem., 1999 Oct;274:28660-8). Since supporting evidence is limited at this time, the clinical significance of this alteration remains unclear.